The following is an entry in ClinVar:

ClinVar aggregate classification (germline): Uncertain significance (1 of 4 stars; one submission).

Submission:

Greenwood Genetic Center Diagnostic Laboratories, Greenwood Genetic Center
Classification: Uncertain significance. Last evaluated: 2022-09-14. Review status: criteria provided, single submitter. Criteria: ACMG Guidelines, 2015. Collection method: clinical testing. Allele origin: germline. Affected: yes.
Comment: PM2

NM_015001.3(SPEN):c.1243+4A>G

Gene: SPEN (spen family transcriptional repressor; plus strand). Cytogenetic location: 1p36.13.
Variant type: single nucleotide variant.
Coding change: c.1243+4A>G on transcript NM_015001.3 (MANE Select); 4 bases into the intron after coding-DNA position 1243, A replaced by G.
Molecular consequence: intron variant.
Genome position (GRCh38, 1-based): chr1:15,911,305, A>G. VCF-style: chr1-15911305-A-G. GRCh37 (hg19) VCF-style: chr1-16237800-A-G.
Identifiers: ClinVar variation 1710400 (VCV001710400.3), dbSNP rs2523033892, ClinGen allele CA2580060583.